The following is an entry in ClinVar:

ClinVar aggregate classification (germline): Uncertain significance (1 of 4 stars; one submission).

Conditions:
Cranioectodermal dysplasia 1 (CED1). Also called: LEVIN SYNDROME I. Identifiers: Orphanet 1515, MedGen C0432235, MONDO:0021093, OMIM 218330.

Allele frequency attached by ClinVar (database versions not stated): gnomAD 0.00001; gnomAD exomes 0.00001; ExAC 0.00002; TOPMed 0.00002.
gnomAD v4.1: 12 of 1,608,288 alleles (0.00075%); highest among the groups gnomAD compares: African/African-American, 0.004%; no homozygotes.

Submission:

Labcorp Genetics (formerly Invitae), Labcorp
Classification: Uncertain significance for Cranioectodermal dysplasia 1. Last evaluated: 2023-02-08. Review status: criteria provided, single submitter. Criteria: Invitae Variant Classification Sherloc (09022015). Collection method: clinical testing. Allele origin: germline.
Comment: This sequence change replaces serine, which is neutral and polar, with leucine, which is neutral and non-polar, at codon 1042 of the IFT122 protein (p.Ser1042Leu). This variant is present in population databases (rs747295684, gnomAD 0.01%). This variant has not been reported in the literature in individuals affected with IFT122-related conditions. Advanced modeling of protein sequence and biophysical properties (such as structural, functional, and spatial information, amino acid conservation, physicochemical variation, residue mobility, and thermodynamic stability) performed at Invitae indicates that this missense variant is not expected to disrupt IFT122 protein function. In summary, the available evidence is currently insufficient to determine the role of this variant in disease. Therefore, it has been classified as a Variant of Uncertain Significance.

NM_052989.3(IFT122):c.2972C>T (p.Ser991Leu)

Gene: IFT122 (intraflagellar transport 122; plus strand). Cytogenetic location: 3q22.1.
Variant type: single nucleotide variant.
Coding change: c.2972C>T on transcript NM_052989.3 (MANE Select); coding-DNA position 2972, C replaced by T.
Protein change: p.Ser991Leu; replaces serine 991 with leucine.
Molecular consequence: missense variant.
Genome position (GRCh38, 1-based): chr3:129,512,397, C>T. VCF-style: chr3-129512397-C-T. GRCh37 (hg19) VCF-style: chr3-129231240-C-T.
Other names: c.2951C>T, p.Ser984Leu (NM_001280541.2); c.2522C>T, p.Ser841Leu (NM_001280545.2); c.2345C>T, p.Ser782Leu (NM_001280546.2); c.2975C>T, p.Ser992Leu (NM_001410808.1); c.2918C>T, p.Ser973Leu (NM_001410809.1); c.2798C>T, p.Ser933Leu (NM_001410810.1); c.2744C>T, p.Ser915Leu (NM_001410811.1); c.2741C>T, p.Ser914Leu (NM_001410813.1); and 5 more; short protein forms S841L, S984L, S863L, S881L, S932L, S992L, S933L, S973L.
Identifiers: ClinVar variation 2080401 (VCV002080401.2), dbSNP rs747295684, ClinGen allele CA2606712.